The following is an entry in ClinVar:

NM_001384950.1(NLRC5):c.2418-199T>A

Gene: NLRC5 (NLR family CARD domain containing 5; plus strand). Cytogenetic location: 16q13.
Variant type: single nucleotide variant.
Coding change: c.2418-199T>A on transcript NM_001384950.1 (MANE Select); 199 bases into the intron before coding-DNA position 2418, T replaced by A.
Molecular consequence: intron variant.
Genome position (GRCh38, 1-based): chr16:57,031,205, T>A. VCF-style: chr16-57031205-T-A. GRCh37 (hg19) VCF-style: chr16-57065117-T-A.
Other names: c.2418-199T>A (NM_001384954.1, NM_001384953.1, NM_001384957.1 and 19 more transcripts); c.2334-199T>A (NM_001384960.1, NM_001384965.1); c.2247-199T>A (NM_001384972.1).
Identifiers: ClinVar variation 103160 (VCV000103160.2), dbSNP rs199475980, ClinGen allele CA230204.

ClinVar aggregate classification (germline): not provided (0 of 4 stars; one submission).

Allele frequency attached by ClinVar (database versions not stated): gnomAD 0.00001.
gnomAD v4.1: 1 of 152,342 alleles (0.00066%); highest among the groups gnomAD compares: East Asian, 0.019%; no homozygotes.

Submission:

Human Evolutionary Genetics, Institut Pasteur
No classification provided. Review status: no classification provided. Collection method: not provided. Allele origin: germline.
ClinVar note: Converted during submission from untested to not provided.